The following is an entry in ClinVar:

ClinVar aggregate classification (germline): Uncertain significance (1 of 4 stars; one submission).

Conditions:
Inborn genetic diseases. Identifiers: MedGen C0950123, MeSH D030342.

gnomAD v4.1: 9 of 1,611,524 alleles (0.00056%); highest among the groups gnomAD compares: East Asian, 0.018%; no homozygotes.

Submission:

Ambry Genetics
Classification: Uncertain significance for Inborn genetic diseases. Last evaluated: 2024-12-22. Review status: criteria provided, single submitter. Criteria: Ambry Variant Classification Scheme 2023. Collection method: clinical testing. Allele origin: germline.
Comment: The p.L956F variant (also known as c.2866C>T), located in coding exon 24 of the ANKRD26 gene, results from a C to T substitution at nucleotide position 2866. The leucine at codon 956 is replaced by phenylalanine, an amino acid with highly similar properties. This amino acid position is conserved. In addition, this alteration is predicted to be tolerated by in silico analysis. Based on the available evidence, the clinical significance of this variant remains unclear.

NM_014915.3(ANKRD26):c.2866C>T (p.Leu956Phe)

Gene: ANKRD26 (ankyrin repeat domain containing 26; minus strand). Cytogenetic location: 10p12.1.
Variant type: single nucleotide variant.
Coding change: c.2866C>T on transcript NM_014915.3 (MANE Select); coding-DNA position 2866, C replaced by T.
Protein change: p.Leu956Phe; replaces leucine 956 with phenylalanine.
Molecular consequence: missense variant.
Genome position (GRCh38, 1-based): chr10:27,035,584, G>A on the plus strand (C>T on the coding strand, the complement: ANKRD26 is on the minus strand). VCF-style: chr10-27035584-G-A. GRCh37 (hg19) VCF-style: chr10-27324513-G-A.
Other names: c.2863C>T, p.Leu955Phe (NM_001256053.2); short protein forms L955F, L956F.
Identifiers: ClinVar variation 3868180 (VCV003868180.1).